The following is an entry in ClinVar:

NM_001378609.3(OTOGL):c.1198A>T (p.Ile400Phe)

Gene: OTOGL (otogelin like; plus strand). Cytogenetic location: 12q21.31.
Variant type: single nucleotide variant.
Coding change: c.1198A>T on transcript NM_001378609.3 (MANE Select); coding-DNA position 1198, A replaced by T.
Protein change: p.Ile400Phe; replaces isoleucine 400 with phenylalanine.
Molecular consequence: missense variant.
Genome position (GRCh38, 1-based): chr12:80,252,114, A>T. VCF-style: chr12-80252114-A-T. GRCh37 (hg19) VCF-style: chr12-80645894-A-T.
Other names: c.1198A>T, p.Ile400Phe (NM_001368062.3, NM_001378610.3, NM_173591.7); short protein forms I400F.
Identifiers: ClinVar variation 1341595 (VCV001341595.6), dbSNP rs780388672, ClinGen allele CA6700394.

ClinVar aggregate classification (germline): Uncertain significance. Review status: criteria provided, multiple submitters, no conflicts (2 of 4 stars). 3 submissions from 3 submitters: Uncertain significance (3). Last evaluated 2025-12-19.

Allele frequency attached by ClinVar (database versions not stated): gnomAD exomes 0.00003; gnomAD 0.00005 and 0.00006; TOPMed 0.00005; ExAC 0.00011.
gnomAD v4.1: 64 of 1,561,228 alleles (0.0041%); highest among the groups gnomAD compares: Middle Eastern, 0.066%; no homozygotes.

Submissions (3):

GeneDx
Classification: Uncertain significance. Last evaluated: 2025-12-19. Review status: criteria provided, single submitter. Criteria: GeneDx Variant Classification Process June 2021. Collection method: clinical testing. Allele origin: germline. Affected: yes.
Comment: Reported without a second variant in an individual with congenital hearing loss in published literature (PMID: 38844983); Not observed at significant frequency in large population cohorts (gnomAD); In silico analysis supports that this missense variant has a deleterious effect on protein structure/function; This variant is associated with the following publications: (PMID: 38844983)

Blueprint Genetics
Classification: Uncertain significance. Last evaluated: 2023-11-01. Review status: criteria provided, single submitter. Criteria: ACMG Guidelines, 2015. Collection method: clinical testing. Allele origin: germline.

Labcorp Genetics (formerly Invitae), Labcorp
Classification: Uncertain significance. Last evaluated: 2022-08-06. Review status: criteria provided, single submitter. Criteria: Invitae Variant Classification Sherloc (09022015). Collection method: clinical testing. Allele origin: germline.
Comment: This sequence change replaces isoleucine, which is neutral and non-polar, with phenylalanine, which is neutral and non-polar, at codon 391 of the OTOGL protein (p.Ile391Phe). This variant is present in population databases (rs780388672, gnomAD 0.006%). This variant has not been reported in the literature in individuals affected with OTOGL-related conditions. ClinVar contains an entry for this variant (Variation ID: 1341595). Algorithms developed to predict the effect of missense changes on protein structure and function are either unavailable or do not agree on the potential impact of this missense change (SIFT: "Deleterious"; PolyPhen-2: "Probably Damaging"; Align-GVGD: "Class C0"). In summary, the available evidence is currently insufficient to determine the role of this variant in disease. Therefore, it has been classified as a Variant of Uncertain Significance.